The following is an entry in ClinVar:

ClinVar aggregate classification (germline): Uncertain significance (1 of 4 stars; one submission).

Conditions:
Congenital contractural arachnodactyly (CCA). Also called: BEALS SYNDROME; Beals-Hecht syndrome; Arthrogryposis, distal, type 9. Identifiers: Orphanet 115, MedGen C0220668, MONDO:0007363, OMIM 121050.

Allele frequency attached by ClinVar (database versions not stated): gnomAD exomes below 0.00001.

Submission:

Labcorp Genetics (formerly Invitae), Labcorp
Classification: Uncertain significance for Congenital contractural arachnodactyly. Last evaluated: 2021-12-17. Review status: criteria provided, single submitter. Criteria: Invitae Variant Classification Sherloc (09022015). Collection method: clinical testing. Allele origin: germline.
Comment: This sequence change replaces glycine, which is neutral and non-polar, with serine, which is neutral and polar, at codon 332 of the FBN2 protein (p.Gly332Ser). This variant is not present in population databases (gnomAD no frequency). In summary, the available evidence is currently insufficient to determine the role of this variant in disease. Therefore, it has been classified as a Variant of Uncertain Significance. Advanced modeling of protein sequence and biophysical properties (such as structural, functional, and spatial information, amino acid conservation, physicochemical variation, residue mobility, and thermodynamic stability) performed at Invitae indicates that this missense variant is expected to disrupt FBN2 protein function. This variant has not been reported in the literature in individuals affected with FBN2-related conditions.

NM_001999.4(FBN2):c.994G>A (p.Gly332Ser)

Gene: FBN2 (fibrillin 2; minus strand). Cytogenetic location: 5q23.3.
Variant type: single nucleotide variant.
Coding change: c.994G>A on transcript NM_001999.4 (MANE Select); coding-DNA position 994, G replaced by A.
Protein change: p.Gly332Ser; replaces glycine 332 with serine.
Molecular consequence: missense variant.
Genome position (GRCh38, 1-based): chr5:128,408,758, C>T on the plus strand (G>A on the coding strand, the complement: FBN2 is on the minus strand). VCF-style: chr5-128408758-C-T. GRCh37 (hg19) VCF-style: chr5-127744451-C-T.
Other names: short protein forms G332S.
Identifiers: ClinVar variation 1487911 (VCV001487911.6), dbSNP rs2127000101, ClinGen allele CA360753535.
Genomic context (GRCh38, chr5:128,408,758, plus strand): 5'-AGGTTACATATCCACGTGGACAAACACAAAAATAGCTTCCCACGGTGTTGGAACATTCAC[C>T]AGTTTCACATATCCCAGGAATGATGCTGCACTCATCAATGTCTAATCAAGGGAAGAAGGA-3'
Protein context (NP_001990.2, residues 322-342): CSIIPGICET[Gly332Ser]ECSNTVGSYF